The following is an entry in ClinVar:

NM_138420.4(AHNAK2):c.10317G>C (p.Val3439=)

Gene: AHNAK2 (AHNAK nucleoprotein 2; minus strand). Cytogenetic location: 14q32.33.
Variant type: single nucleotide variant.
Coding change: c.10317G>C on transcript NM_138420.4 (MANE Select); coding-DNA position 10317, G replaced by C.
Protein change: p.Val3439=; no amino-acid change (valine 3439 retained).
Molecular consequence: synonymous variant.
Genome position (GRCh38, 1-based): chr14:104,945,134, C>G on the plus strand (G>C on the coding strand, the complement: AHNAK2 is on the minus strand). VCF-style: chr14-104945134-C-G. GRCh37 (hg19) VCF-style: chr14-105411471-C-G.
Other names: c.10017G>C, p.Val3339= (NM_001350929.2).
Identifiers: ClinVar variation 2644676 (VCV002644676.24), dbSNP rs1439761265, ClinGen allele CA488724842.

ClinVar aggregate classification (germline): Likely benign (1 of 4 stars; one submission).

Submission:

CeGaT Center for Human Genetics Tuebingen
Classification: Likely benign. Last evaluated: 2023-03-01. Review status: criteria provided, single submitter. Criteria: CeGaT Center For Human Genetics Tuebingen Variant Classification Criteria Version 2. Collection method: clinical testing. Allele origin: germline. Affected: yes. Observed: 1 variant allele.
Comment: AHNAK2: BP4, BP7